The following is an entry in ClinVar:

ClinVar aggregate classification (germline): Uncertain significance (1 of 4 stars; one submission).

Allele frequency attached by ClinVar (database versions not stated): gnomAD exomes below 0.00001; ExAC 0.00001.
gnomAD v4.1: 1 of 1,609,318 alleles (0.000062%); highest among the groups gnomAD compares: Non-Finnish European, 0.000085%; no homozygotes.

Submission:

Labcorp Genetics (formerly Invitae), Labcorp
Classification: Uncertain significance. Last evaluated: 2021-05-07. Review status: criteria provided, single submitter. Criteria: Invitae Variant Classification Sherloc (09022015). Collection method: clinical testing. Allele origin: germline.
Comment: This sequence change replaces alanine with threonine at codon 370 of the ABCB11 protein (p.Ala370Thr). The alanine residue is moderately conserved and there is a small physicochemical difference between alanine and threonine. This variant is present in population databases (rs781584055, ExAC 0.01%). This variant has not been reported in the literature in individuals with ABCB11-related disease. Algorithms developed to predict the effect of missense changes on protein structure and function are either unavailable or do not agree on the potential impact of this missense change (SIFT: "Deleterious"; PolyPhen-2: "Probably Damaging"; Align-GVGD: "Class C0"). In summary, the available evidence is currently insufficient to determine the role of this variant in disease. Therefore, it has been classified as a Variant of Uncertain Significance.

NM_003742.4(ABCB11):c.1108G>A (p.Ala370Thr)

Gene: ABCB11 (ATP binding cassette subfamily B member 11; minus strand). Cytogenetic location: 2q31.1.
Variant type: single nucleotide variant.
Coding change: c.1108G>A on transcript NM_003742.4 (MANE Select); coding-DNA position 1108, G replaced by A.
Protein change: p.Ala370Thr; replaces alanine 370 with threonine.
Molecular consequence: missense variant.
Genome position (GRCh38, 1-based): chr2:168,979,955, C>T on the plus strand (G>A on the coding strand, the complement: ABCB11 is on the minus strand). VCF-style: chr2-168979955-C-T. GRCh37 (hg19) VCF-style: chr2-169836465-C-T.
Other names: short protein forms A370T.
Identifiers: ClinVar variation 2146365 (VCV002146365.1), dbSNP rs781584055, ClinGen allele CA1951686.
Genomic context (GRCh38, chr2:168,979,955, plus strand): 5'-CTGCTGCACGTCCAGTTGCAAAGGCTTCCAAACAAGGAGAGGCATTGCCAAGATTTAAAG[C>T]TCCTACTATGACACTGAGGAAAATCTGAAATGAAAAGAGAGAGATTTTTCATGTGTTTTT-3'
Protein context (NP_003733.2, residues 360-380): VQIFLSVIVG[Ala370Thr]LNLGNASPCL